The following is an entry in ClinVar:

ClinVar aggregate classification (germline): Conflicting classifications of pathogenicity. Review status: criteria provided, conflicting classifications (1 of 4 stars). 2 submissions from 2 submitters: Uncertain significance (1); Likely benign (1). Last evaluated 2025-12-08.

Conditions:
Hermansky-Pudlak syndrome 2 (HPS2). Also called: Platelet defects and oculocutaneous albinism. Identifiers: Orphanet 183678, Orphanet 79430, MedGen C1842362, MONDO:0011997, OMIM 608233.

Allele frequency attached by ClinVar (database versions not stated): gnomAD 0.00001; gnomAD exomes 0.00001 and 0.00003; ExAC 0.00005.
gnomAD v4.1: 23 of 1,588,056 alleles (0.0014%); highest among the groups gnomAD compares: Middle Eastern, 0.033%; no homozygotes.

Submissions (2):

Labcorp Genetics (formerly Invitae), Labcorp
Classification: Uncertain significance for Hermansky-Pudlak syndrome 2. Last evaluated: 2025-12-08. Review status: criteria provided, single submitter. Criteria: Invitae Variant Classification Sherloc (09022015). Collection method: clinical testing. Allele origin: germline.
Comment: This sequence change falls in intron 11 of the AP3B1 gene. It does not directly change the encoded amino acid sequence of the AP3B1 protein. It affects a nucleotide within the consensus splice site. This variant is present in population databases (rs751674819, gnomAD 0.01%). This variant has not been reported in the literature in individuals affected with AP3B1-related conditions. ClinVar contains an entry for this variant (Variation ID: 1034563). Variants that disrupt the consensus splice site are a relatively common cause of aberrant splicing (PMID: 17576681, 9536098). Algorithms developed to predict the effect of sequence changes on RNA splicing suggest that this variant is not likely to affect RNA splicing. In summary, the available evidence is currently insufficient to determine the role of this variant in disease. Therefore, it has been classified as a Variant of Uncertain Significance.

Mayo Clinic Laboratories, Mayo Clinic
Classification: Likely benign. Last evaluated: 2025-10-07. Review status: criteria provided, single submitter. Criteria: ACMG Guidelines, 2015. Collection method: clinical testing. Allele origin: germline. Observed: 1 variant allele.
Comment: BP4, BP7

Literature cited by the submitters: PubMed 17576681 (cited by Labcorp Genetics (formerly Invitae), Labcorp); PubMed 9536098 (cited by Labcorp Genetics (formerly Invitae), Labcorp).

NM_003664.5(AP3B1):c.1168-3T>C

Gene: AP3B1 (adaptor related protein complex 3 subunit beta 1; minus strand). Cytogenetic location: 5q14.1.
Variant type: single nucleotide variant.
Coding change: c.1168-3T>C on transcript NM_003664.5 (MANE Select); 3 bases into the intron before coding-DNA position 1168, T replaced by C.
Molecular consequence: intron variant.
Genome position (GRCh38, 1-based): chr5:78,165,675, A>G on the plus strand (T>C on the coding strand, the complement: AP3B1 is on the minus strand). VCF-style: chr5-78165675-A-G. GRCh37 (hg19) VCF-style: chr5-77461499-A-G.
Other names: p.?; c.1168-3T>C (NM_003664.4); c.1021-3T>C (NM_001271769.2).
Identifiers: ClinVar variation 1034563 (VCV001034563.9), dbSNP rs751674819, ClinGen allele CA3317149.